The following is an entry in ClinVar:

NM_001378457.1(DMXL2):c.8686A>G (p.Asn2896Asp)

Gene: DMXL2 (Dmx like 2; minus strand). Cytogenetic location: 15q21.2.
Variant type: single nucleotide variant.
Coding change: c.8686A>G on transcript NM_001378457.1 (MANE Select); coding-DNA position 8686, A replaced by G.
Protein change: p.Asn2896Asp; replaces asparagine 2896 with aspartic acid.
Molecular consequence: missense variant. On other transcripts: non-coding transcript variant (1).
Genome position (GRCh38, 1-based): chr15:51,453,560, T>C on the plus strand (A>G on the coding strand, the complement: DMXL2 is on the minus strand). VCF-style: chr15-51453560-T-C. GRCh37 (hg19) VCF-style: chr15-51745757-T-C.
Other names: c.8623A>G, p.Asn2875Asp (NM_001174116.3); c.6712A>G, p.Asn2238Asp (NM_001174117.3); c.8683A>G, p.Asn2895Asp (NM_001378458.1); c.8398A>G, p.Asn2800Asp (NM_001378459.1); c.6601A>G, p.Asn2201Asp (NM_001378460.1); c.8620A>G, p.Asn2874Asp (NM_015263.5); short protein forms N2800D, N2896D, N2874D, N2201D, N2238D, N2875D, N2895D.
Identifiers: ClinVar variation 2983030 (VCV002983030.3), dbSNP rs2542959111, ClinGen allele CA392430970.

ClinVar aggregate classification (germline): Uncertain significance (1 of 4 stars; one submission).

Submission:

Labcorp Genetics (formerly Invitae), Labcorp
Classification: Uncertain significance. Last evaluated: 2024-12-16. Review status: criteria provided, single submitter. Criteria: Invitae Variant Classification Sherloc (09022015). Collection method: clinical testing. Allele origin: germline.
Comment: This sequence change replaces asparagine, which is neutral and polar, with aspartic acid, which is acidic and polar, at codon 2875 of the DMXL2 protein (p.Asn2875Asp). This variant is not present in population databases (gnomAD no frequency). This variant has not been reported in the literature in individuals affected with DMXL2-related conditions. ClinVar contains an entry for this variant (Variation ID: 2983030). An algorithm developed to predict the effect of missense changes on protein structure and function (PolyPhen-2) suggests that this variant is likely to be disruptive. In summary, the available evidence is currently insufficient to determine the role of this variant in disease. Therefore, it has been classified as a Variant of Uncertain Significance.